The following is an entry in ClinVar:

ClinVar aggregate classification (germline): Uncertain significance (1 of 4 stars; one submission).

Conditions:
Inborn genetic diseases. Identifiers: MedGen C0950123, MeSH D030342.

Submission:

Ambry Genetics
Classification: Uncertain significance for Inborn genetic diseases. Last evaluated: 2021-07-13. Review status: criteria provided, single submitter. Criteria: Ambry Variant Classification Scheme 2023. Collection method: clinical testing. Allele origin: germline.
Comment: The c.782-5T>G intronic alteration consists of a T to G substitution 5 nucleotides before coding exon 7 in the DDC gene. Based on insufficient or conflicting evidence, the clinical significance of this alteration remains unclear.

NM_001082971.2(DDC):c.782-5T>G

Gene: DDC (dopa decarboxylase; minus strand). Cytogenetic location: 7p12.2.
Variant type: single nucleotide variant.
Coding change: c.782-5T>G on transcript NM_001082971.2 (MANE Select); 5 bases into the intron before coding-DNA position 782, T replaced by G.
Molecular consequence: intron variant.
Genome position (GRCh38, 1-based): chr7:50,499,247, A>C on the plus strand (T>G on the coding strand, the complement: DDC is on the minus strand). VCF-style: chr7-50499247-A-C. GRCh37 (hg19) VCF-style: chr7-50566945-A-C.
Other names: c.548-5T>G (NM_001242888.2); c.668-5T>G (NM_001242886.2); c.503-5T>G (NM_001242889.2); c.638-5T>G (NM_001242887.2); c.782-5T>G (NM_000790.4, NM_001242890.2).
Identifiers: ClinVar variation 2233341 (VCV002233341.2), dbSNP rs2535194389, ClinGen allele CA2580077271.